The following is an entry in ClinVar:

ClinVar aggregate classification (germline): Uncertain significance (1 of 4 stars; one submission).

Conditions:
ANKRD1-related dilated cardiomyopathy. Identifiers: MedGen CN119551.

Allele frequency attached by ClinVar (database versions not stated): gnomAD exomes below 0.00001; ExAC 0.00001; gnomAD 0.00001.
gnomAD v4.1: 1 of 1,613,924 alleles (0.000062%); highest among the groups gnomAD compares: Admixed American, 0.0017%; no homozygotes.

Submission:

Labcorp Genetics (formerly Invitae), Labcorp
Classification: Uncertain significance for ANKRD1-related dilated cardiomyopathy. Last evaluated: 2022-07-19. Review status: criteria provided, single submitter. Criteria: Invitae Variant Classification Sherloc (09022015). Collection method: clinical testing. Allele origin: germline.
Comment: This variant has not been reported in the literature in individuals affected with ANKRD1-related conditions. This variant is present in population databases (rs776479970, gnomAD 0.003%). This sequence change replaces asparagine, which is neutral and polar, with lysine, which is basic and polar, at codon 309 of the ANKRD1 protein (p.Asn309Lys). In summary, the available evidence is currently insufficient to determine the role of this variant in disease. Therefore, it has been classified as a Variant of Uncertain Significance. Algorithms developed to predict the effect of missense changes on protein structure and function (SIFT, PolyPhen-2, Align-GVGD) all suggest that this variant is likely to be tolerated. ClinVar contains an entry for this variant (Variation ID: 1449421).

NM_014391.3(ANKRD1):c.927C>A (p.Asn309Lys)

Gene: ANKRD1 (ankyrin repeat domain 1; minus strand). Cytogenetic location: 10q23.31.
Variant type: single nucleotide variant.
Coding change: c.927C>A on transcript NM_014391.3 (MANE Select); coding-DNA position 927, C replaced by A.
Protein change: p.Asn309Lys; replaces asparagine 309 with lysine.
Molecular consequence: missense variant.
Genome position (GRCh38, 1-based): chr10:90,912,899, G>T on the plus strand (C>A on the coding strand, the complement: ANKRD1 is on the minus strand). VCF-style: chr10-90912899-G-T. GRCh37 (hg19) VCF-style: chr10-92672656-G-T.
Other names: short protein forms N309K.
Identifiers: ClinVar variation 1449421 (VCV001449421.6), dbSNP rs776479970, ClinGen allele CA5598568.